The following is an entry in ClinVar:

NM_030762.3(BHLHE41):c.893C>T (p.Ala298Val)

Genes: BHLHE41 (basic helix-loop-helix family member e41; minus strand), SSPN (sarcospan; plus strand). Cytogenetic location: 12p12.1.
Variant type: single nucleotide variant.
Coding change: c.893C>T on transcript NM_030762.3 (MANE Select); coding-DNA position 893, C replaced by T.
Protein change: p.Ala298Val; replaces alanine 298 with valine.
Molecular consequence: missense variant.
Genome position (GRCh38, 1-based): chr12:26,122,622, G>A on the plus strand (C>T on the coding strand, the complement: BHLHE41 is on the minus strand). VCF-style: chr12-26122622-G-A. GRCh37 (hg19) VCF-style: chr12-26275555-G-A.
Other names: p.Ala298Val; short protein forms A298V.
Identifiers: ClinVar variation 3057054 (VCV003057054.3), dbSNP rs11048413, ClinGen allele CA6487624.

ClinVar aggregate classification (germline): Benign. Review status: criteria provided, single submitter (1 of 4 stars). 2 submissions from 2 submitters: Benign (1). 1 of the submissions does not count toward it. Last evaluated 2022-10-21.

Conditions:
BHLHE41-related disorder. Also called: BHLHE41-related condition.

Allele frequency attached by ClinVar (database versions not stated): ExAC 0.56801; gnomAD exomes 0.47651; 1000 Genomes Project 0.37061; gnomAD 0.38173; TOPMed 0.38221.
gnomAD v4.1: 547,683 of 1,179,890 alleles (46%); highest among the groups gnomAD compares: Admixed American, 55%; 131,201 homozygotes.

Submissions (2):

Mayo Clinic Laboratories, Mayo Clinic
Classification: Benign. Last evaluated: 2022-10-21. Review status: criteria provided, single submitter. Criteria: ACMG Guidelines, 2015. Collection method: clinical testing. Allele origin: germline. Observed: 188 variant alleles.

PreventionGenetics, part of Exact Sciences
Classification: Benign for BHLHE41-related condition. Last evaluated: 2019-10-23. Review status: no assertion criteria provided. Collection method: clinical testing. Allele origin: germline. Not counted in ClinVar's aggregate classification.
Comment: This variant is classified as benign based on ACMG/AMP sequence variant interpretation guidelines (Richards et al. 2015 PMID: 25741868, with internal and published modifications).